The following is an entry in ClinVar:

NM_015271.5(TRIM2):c.1199A>G (p.Asp400Gly)

Gene: TRIM2 (tripartite motif containing 2; plus strand). Cytogenetic location: 4q31.3.
Variant type: single nucleotide variant.
Coding change: c.1199A>G on transcript NM_015271.5 (MANE Select); coding-DNA position 1199, A replaced by G.
Protein change: p.Asp400Gly; replaces aspartic acid 400 with glycine.
Molecular consequence: missense variant.
Genome position (GRCh38, 1-based): chr4:153,295,725, A>G. VCF-style: chr4-153295725-A-G. GRCh37 (hg19) VCF-style: chr4-154216877-A-G.
Other names: c.1118A>G, p.Asp373Gly (NM_001130067.2, NM_001351056.2, NM_001375512.1 and 5 more transcripts); c.1172A>G, p.Asp391Gly (NM_001351054.2); c.1169A>G, p.Asp390Gly (NM_001351055.2); c.743A>G, p.Asp248Gly (NM_001351057.2); c.1292A>G, p.Asp431Gly (NM_001375488.1); c.1289A>G, p.Asp430Gly (NM_001375489.1); c.1142A>G, p.Asp381Gly (NM_001375490.1); c.1139A>G, p.Asp380Gly (NM_001375491.1); and 3 more; short protein forms D289G, D380G, D288G, D373G, D381G, D287G, D390G, D400G.
Identifiers: ClinVar variation 2709779 (VCV002709779.3), dbSNP rs769581628, ClinGen allele CA3108705.

ClinVar aggregate classification (germline): Uncertain significance (1 of 4 stars; one submission).

Conditions:
Charcot-Marie-Tooth disease type 2R. Also called: Charcot-Marie-Tooth disease, axonal, type 2R; CHARCOT-MARIE-TOOTH DISEASE, AXONAL, AUTOSOMAL RECESSIVE, TYPE 2R; CHARCOT-MARIE-TOOTH NEUROPATHY, TYPE 2R. Identifiers: Orphanet 397968, MedGen C3809655, MONDO:0014208, OMIM 615490.

Allele frequency attached by ClinVar (database versions not stated): gnomAD exomes below 0.00001; ExAC 0.00001.

Submission:

Labcorp Genetics (formerly Invitae), Labcorp
Classification: Uncertain significance for Charcot-Marie-Tooth disease type 2R. Last evaluated: 2024-01-17. Review status: criteria provided, single submitter. Criteria: Invitae Variant Classification Sherloc (09022015). Collection method: clinical testing. Allele origin: germline.
Comment: This sequence change replaces aspartic acid, which is acidic and polar, with glycine, which is neutral and non-polar, at codon 373 of the TRIM2 protein (p.Asp373Gly). This variant is present in population databases (rs769581628, gnomAD 0.0009%). This variant has not been reported in the literature in individuals affected with TRIM2-related conditions. An algorithm developed to predict the effect of missense changes on protein structure and function (PolyPhen-2) suggests that this variant is likely to be tolerated. In summary, the available evidence is currently insufficient to determine the role of this variant in disease. Therefore, it has been classified as a Variant of Uncertain Significance.